The following is an entry in ClinVar:

ClinVar aggregate classification (germline): Benign/Likely benign. Review status: criteria provided, multiple submitters, no conflicts (2 of 4 stars). 4 submissions from 4 submitters: Benign (1); Likely benign (2). 1 of the submissions does not count toward it. Last evaluated 2026-04-24.

Conditions:
GALNT12-related disorder. Also called: GALNT12-related condition.
Colorectal cancer, susceptibility to, 1. Also called: COLORECTAL ADENOMA AND CANCER, SUSCEPTIBILITY TO; COLORECTAL CANCER, SUSCEPTIBILITY TO, ON CHROMOSOME 9. Identifiers: MedGen C1837315, MONDO:0012132, OMIM 608812.

Submissions (4):

Myriad Genetics, Inc.
Classification: Benign for Colorectal cancer, susceptibility to, 1. Last evaluated: 2026-04-24. Review status: criteria provided, single submitter. Criteria: Myriad Autosomal Dominant, Autosomal Recessive and X-Linked Classification Criteria (2023). Collection method: clinical testing. Allele origin: unknown.
Comment: This variant is considered benign. This variant is a silent/synonymous amino acid change and it is not expected to impact splicing.

Labcorp Genetics (formerly Invitae), Labcorp
Classification: Likely benign. Last evaluated: 2023-04-16. Review status: criteria provided, single submitter. Criteria: Invitae Variant Classification Sherloc (09022015). Collection method: clinical testing. Allele origin: germline.

Ambry Genetics
Classification: Likely benign. Last evaluated: 2021-10-16. Review status: criteria provided, single submitter. Criteria: Ambry Variant Classification Scheme 2023. Collection method: clinical testing. Allele origin: germline.

PreventionGenetics, part of Exact Sciences
Classification: Likely benign for GALNT12-related condition. Last evaluated: 2024-04-04. Review status: no assertion criteria provided. Collection method: clinical testing. Allele origin: germline. Not counted in ClinVar's aggregate classification.
Comment: This variant is classified as likely benign based on ACMG/AMP sequence variant interpretation guidelines (Richards et al. 2015 PMID: 25741868, with internal and published modifications).

NM_024642.5(GALNT12):c.606C>T (p.Ala202=)

Gene: GALNT12 (polypeptide N-acetylgalactosaminyltransferase 12; plus strand). Cytogenetic location: 9q22.33.
Variant type: single nucleotide variant.
Coding change: c.606C>T on transcript NM_024642.5 (MANE Select); coding-DNA position 606, C replaced by T.
Protein change: p.Ala202=; no amino-acid change (alanine 202 retained).
Molecular consequence: synonymous variant.
Genome position (GRCh38, 1-based): chr9:98,826,816, C>T. VCF-style: chr9-98826816-C-T. GRCh37 (hg19) VCF-style: chr9-101589098-C-T.
Identifiers: ClinVar variation 416210 (VCV000416210.16), dbSNP rs1060504771, ClinGen allele CA16612795.